The following is an entry in ClinVar:

ClinVar aggregate classification (germline): Uncertain significance. Review status: criteria provided, single submitter (1 of 4 stars). 2 submissions from 2 submitters: Uncertain significance (1). 1 of the submissions does not count toward it. Last evaluated 2022-03-01.

Conditions:
TBCD-related disorder. Also called: TBCD-related condition.

gnomAD v4.1: 190 of 1,515,826 alleles (0.013%); highest among the groups gnomAD compares: Non-Finnish European, 0.014%; no homozygotes.

Submissions (2):

CeGaT Center for Human Genetics Tuebingen
Classification: Uncertain significance. Last evaluated: 2022-03-01. Review status: criteria provided, single submitter. Criteria: CeGaT Center For Human Genetics Tuebingen Variant Classification Criteria Version 2. Collection method: clinical testing. Allele origin: germline. Affected: yes. Observed: 1 variant allele.
Comment: TBCD: PM2

PreventionGenetics, part of Exact Sciences
Classification: Likely benign for TBCD-related condition. Last evaluated: 2019-07-25. Review status: no assertion criteria provided. Collection method: clinical testing. Allele origin: germline. Not counted in ClinVar's aggregate classification.
Comment: This variant is classified as likely benign based on ACMG/AMP sequence variant interpretation guidelines (Richards et al. 2015 PMID: 25741868, with internal and published modifications).

NM_005993.5(TBCD):c.-6G>T

Gene: TBCD (tubulin folding cofactor D). Cytogenetic location: 17q25.3.
Variant type: single nucleotide variant.
Coding change: c.-6G>T on transcript NM_005993.5 (MANE Select); 6 bases upstream of the start codon, G replaced by T.
Molecular consequence: 5 prime UTR variant.
Genome position (GRCh38, 1-based): chr17:82,752,188, G>T. VCF-style: chr17-82752188-G-T. GRCh37 (hg19) VCF-style: chr17-80710064-G-T.
Other names: c.-6G>T (NM_005993.4, NM_001411101.1, NM_001411102.1).
Identifiers: ClinVar variation 2648499 (VCV002648499.25), dbSNP rs1054156998, ClinGen allele CA295248393.